The following is an entry in ClinVar:

ClinVar aggregate classification (germline): Likely benign. Review status: criteria provided, multiple submitters, no conflicts (2 of 4 stars). 3 submissions from 3 submitters: Likely benign (2). 1 of the submissions does not count toward it. Last evaluated 2026-04-01.

Conditions:
KMT2A-related disorder. Also called: KMT2A-related condition.

Allele frequency attached by ClinVar (database versions not stated): gnomAD exomes 0.00002; ExAC 0.00003.
gnomAD v4.1: 14 of 1,614,190 alleles (0.00087%); highest among the groups gnomAD compares: Admixed American, 0.023%; no homozygotes.

Submissions (3):

CeGaT Center for Human Genetics Tuebingen
Classification: Likely benign. Last evaluated: 2026-04-01. Review status: criteria provided, single submitter. Criteria: CeGaT Center For Human Genetics Tuebingen Variant Classification Criteria Version 2. Collection method: clinical testing. Allele origin: germline. Affected: yes. Observed: 1 variant allele.
Comment: KMT2A: BS2

Labcorp Genetics (formerly Invitae), Labcorp
Classification: Likely benign. Last evaluated: 2025-11-01. Review status: criteria provided, single submitter. Criteria: Invitae Variant Classification Sherloc (09022015). Collection method: clinical testing. Allele origin: germline.

PreventionGenetics, part of Exact Sciences
Classification: Likely benign for KMT2A-related condition. Last evaluated: 2024-03-28. Review status: no assertion criteria provided. Collection method: clinical testing. Allele origin: germline. Not counted in ClinVar's aggregate classification.
Comment: This variant is classified as likely benign based on ACMG/AMP sequence variant interpretation guidelines (Richards et al. 2015 PMID: 25741868, with internal and published modifications).

NM_001197104.2(KMT2A):c.9003C>G (p.His3001Gln)

Gene: KMT2A (lysine methyltransferase 2A; plus strand). Cytogenetic location: 11q23.3.
Variant type: single nucleotide variant.
Coding change: c.9003C>G on transcript NM_001197104.2 (MANE Select); coding-DNA position 9003, C replaced by G.
Protein change: p.His3001Gln; replaces histidine 3001 with glutamine.
Molecular consequence: missense variant.
Genome position (GRCh38, 1-based): chr11:118,504,895, C>G. VCF-style: chr11-118504895-C-G. GRCh37 (hg19) VCF-style: chr11-118375610-C-G.
Other names: c.9093C>G, p.His3031Gln (NM_001412597.1); c.8994C>G, p.His2998Gln (NM_005933.4); short protein forms H3031Q, H3001Q, H2998Q.
Identifiers: ClinVar variation 2014437 (VCV002014437.7), dbSNP rs781895419, ClinGen allele CA6304545.